The following is an entry in ClinVar:

NM_001042492.3(NF1):c.7851G>C (p.Ala2617=)

Gene: NF1 (neurofibromin 1; plus strand). Cytogenetic location: 17q11.2.
Variant type: single nucleotide variant.
Coding change: c.7851G>C on transcript NM_001042492.3 (MANE Select); coding-DNA position 7851, G replaced by C.
Protein change: p.Ala2617=; no amino-acid change (alanine 2617 retained).
Molecular consequence: synonymous variant.
Genome position (GRCh38, 1-based): chr17:31,357,072, G>C. VCF-style: chr17-31357072-G-C. GRCh37 (hg19) VCF-style: chr17-29684090-G-C.
Other names: c.7788G>C, p.Ala2596= (NM_000267.4).
Identifiers: ClinVar variation 5042205 (VCV005042205.1).

ClinVar aggregate classification (germline): Benign (1 of 4 stars; one submission).

Conditions:
Neurofibromatosis, type 1 (NF1). Also called: VON RECKLINGHAUSEN DISEASE; NEUROFIBROMATOSIS, TYPE I, SOMATIC; Peripheral type neurofibromatosis; Neurofibromatosis, type I. Identifiers: Orphanet 636, MedGen C0027831, MONDO:0018975, OMIM 162200. Disease mechanism: loss of function.

Submission:

Myriad Genetics, Inc.
Classification: Benign for Neurofibromatosis, type 1. Last evaluated: 2026-09-28. Review status: criteria provided, single submitter. Criteria: Myriad Autosomal Dominant, Autosomal Recessive and X-Linked Classification Criteria (2023). Collection method: clinical testing. Allele origin: unknown.
Comment: This variant is considered benign. This variant is a silent/synonymous amino acid change and it is not expected to impact splicing.